The following is an entry in ClinVar:

NM_000719.7(CACNA1C):c.4040G>A (p.Arg1347Gln)

Gene: CACNA1C (calcium voltage-gated channel subunit alpha1 C; plus strand). Cytogenetic location: 12p13.33.
Variant type: single nucleotide variant.
Coding change: c.4040G>A on transcript NM_000719.7 (MANE Select); coding-DNA position 4040, G replaced by A.
Protein change: p.Arg1347Gln; replaces arginine 1347 with glutamine.
Molecular consequence: missense variant.
Genome position (GRCh38, 1-based): chr12:2,651,734, G>A. VCF-style: chr12-2651734-G-A. GRCh37 (hg19) VCF-style: chr12-2760900-G-A.
Other names: p.R1347Q:CGG>CAG; c.4184G>A, p.Arg1395Gln (NM_001129827.2, NM_199460.4); c.4106G>A, p.Arg1369Gln (NM_001129829.2); c.4040G>A, p.Arg1347Gln (NM_001129830.3, NM_001129833.2, NM_001129834.2 and 7 more transcripts); c.4124G>A, p.Arg1375Gln (NM_001129831.2); c.4100G>A, p.Arg1367Gln (NM_001129832.2); c.4007G>A, p.Arg1336Gln (NM_001167625.2, NM_001129837.2, NM_001129838.2 and 1 more transcripts); c.4091G>A, p.Arg1364Gln (NM_001129836.2); and 2 more; short protein forms R1347Q, R1395Q, R1334Q, R1336Q, R1344Q, R1367Q, R1375Q, R1364Q.
Identifiers: ClinVar variation 190669 (VCV000190669.6), dbSNP rs777058699, ClinGen allele CA301495.

ClinVar aggregate classification (germline): Uncertain significance. Review status: criteria provided, multiple submitters, no conflicts (2 of 4 stars). 2 submissions from 2 submitters: Uncertain significance (2). Last evaluated 2024-02-24.

Conditions:
Long QT syndrome (LQTS). Identifiers: MedGen C0023976, MeSH D008133, MONDO:0002442. Disease mechanism: loss of function. Inheritance: Various modes of inheritance.

Allele frequency attached by ClinVar (database versions not stated): gnomAD exomes below 0.00001 and 0.00001; ExAC 0.00001.
gnomAD v4.1: 5 of 1,613,290 alleles (0.00031%); highest among the groups gnomAD compares: South Asian, 0.0011%; no homozygotes.

Submissions (2):

Labcorp Genetics (formerly Invitae), Labcorp
Classification: Uncertain significance for Long QT syndrome. Last evaluated: 2024-02-24. Review status: criteria provided, single submitter. Criteria: Invitae Variant Classification Sherloc (09022015). Collection method: clinical testing. Allele origin: germline.
Comment: This sequence change replaces arginine, which is basic and polar, with glutamine, which is neutral and polar, at codon 1347 of the CACNA1C protein (p.Arg1347Gln). This variant is present in population databases (rs777058699, gnomAD 0.003%). This variant has not been reported in the literature in individuals affected with CACNA1C-related conditions. ClinVar contains an entry for this variant (Variation ID: 190669). Advanced modeling of protein sequence and biophysical properties (such as structural, functional, and spatial information, amino acid conservation, physicochemical variation, residue mobility, and thermodynamic stability) performed at Invitae indicates that this missense variant is expected to disrupt CACNA1C protein function with a positive predictive value of 95%. In summary, the available evidence is currently insufficient to determine the role of this variant in disease. Therefore, it has been classified as a Variant of Uncertain Significance.

GeneDx
Classification: Uncertain significance. Last evaluated: 2020-07-07. Review status: criteria provided, single submitter. Criteria: GeneDx Variant Classification Process June 2021. Collection method: clinical testing. Allele origin: germline. Affected: yes.
Comment: Not observed at a significant frequency in large population cohorts (Lek et al., 2016); In silico analysis supports that this missense variant has a deleterious effect on protein structure/function; Has not been previously published as pathogenic or benign to our knowledge